The following is an entry in ClinVar:

ClinVar aggregate classification (germline): Uncertain significance. Review status: criteria provided, multiple submitters, no conflicts (2 of 4 stars). 2 submissions from 2 submitters: Uncertain significance (2). Last evaluated 2025-05-13.

Conditions:
Inborn genetic diseases. Identifiers: MedGen C0950123, MeSH D030342.

Allele frequency attached by ClinVar (database versions not stated): gnomAD 0.00002; gnomAD exomes 0.00001 and 0.00004; TOPMed 0.00002; ExAC 0.00002.
gnomAD v4.1: 60 of 1,595,918 alleles (0.0038%); highest among the groups gnomAD compares: Non-Finnish European, 0.005%; no homozygotes.

Submissions (2):

Ambry Genetics
Classification: Uncertain significance for Inborn genetic diseases. Last evaluated: 2025-05-13. Review status: criteria provided, single submitter. Criteria: Ambry Variant Classification Scheme 2023. Collection method: clinical testing. Allele origin: germline.

Labcorp Genetics (formerly Invitae), Labcorp
Classification: Uncertain significance. Last evaluated: 2021-09-18. Review status: criteria provided, single submitter. Criteria: Invitae Variant Classification Sherloc (09022015). Collection method: clinical testing. Allele origin: germline.
Comment: This sequence change replaces threonine with serine at codon 519 of the ADAMTS17 protein (p.Thr519Ser). The threonine residue is highly conserved and there is a small physicochemical difference between threonine and serine. The frequency data for this variant in the population databases is considered unreliable, as metrics indicate poor data quality at this position in the ExAC database. This variant has not been reported in the literature in individuals affected with ADAMTS17-related conditions. Algorithms developed to predict the effect of missense changes on protein structure and function are either unavailable or do not agree on the potential impact of this missense change (SIFT: "Not Available"; PolyPhen-2: "Probably Damaging"; Align-GVGD: "Not Available"). In summary, the available evidence is currently insufficient to determine the role of this variant in disease. Therefore, it has been classified as a Variant of Uncertain Significance.

NM_139057.4(ADAMTS17):c.1555A>T (p.Thr519Ser)

Gene: ADAMTS17 (ADAM metallopeptidase with thrombospondin type 1 motif 17; minus strand). Cytogenetic location: 15q26.3.
Variant type: single nucleotide variant.
Coding change: c.1555A>T on transcript NM_139057.4 (MANE Select); coding-DNA position 1555, A replaced by T.
Protein change: p.Thr519Ser; replaces threonine 519 with serine.
Molecular consequence: missense variant.
Genome position (GRCh38, 1-based): chr15:100,133,234, T>A on the plus strand (A>T on the coding strand, the complement: ADAMTS17 is on the minus strand). VCF-style: chr15-100133234-T-A. GRCh37 (hg19) VCF-style: chr15-100673439-T-A.
Other names: c.1555A>T (NM_139057.2); short protein forms T519S.
Identifiers: ClinVar variation 1420346 (VCV001420346.4), dbSNP rs764919808, ClinGen allele CA7758200.